The following is an entry in ClinVar:

ClinVar aggregate classification (germline): Pathogenic. Review status: criteria provided, multiple submitters, no conflicts (2 of 4 stars). 2 submissions from 2 submitters: Pathogenic (2). Last evaluated 2026-09-08.

Conditions:
Hereditary cancer-predisposing syndrome. Also called: Hereditary Cancer Syndrome; Neoplastic Syndromes, Hereditary; Hereditary neoplastic syndrome; Tumor predisposition. Identifiers: Orphanet 140162, MedGen C0027672, MeSH D009386, MONDO:0015356.
Cardiovascular phenotype. Identifiers: MedGen CN230736.
Neurofibromatosis, type 1 (NF1). Also called: Peripheral type neurofibromatosis; VON RECKLINGHAUSEN DISEASE; NEUROFIBROMATOSIS, TYPE I, SOMATIC; Neurofibromatosis, type I. Identifiers: Orphanet 636, MedGen C0027831, MONDO:0018975, OMIM 162200. Disease mechanism: loss of function.

Submissions (2):

Ambry Genetics
Classification: Pathogenic for Cardiovascular phenotype; Hereditary cancer-predisposing syndrome. Last evaluated: 2026-09-08. Review status: criteria provided, single submitter. Criteria: Ambry Variant Classification Scheme 2023. Collection method: clinical testing. Allele origin: germline.
Comment: The c.2129delT pathogenic mutation, located in coding exon 18 of the NF1 gene, results from a deletion of one nucleotide at nucleotide position 2129, causing a translational frameshift with a predicted alternate stop codon (p.F710Sfs*38). This variant was reported in individual(s) with features consistent with neurofibromatosis type 1 (NF1) (Ambry internal data). This variant is considered to be rare based on population cohorts in the Genome Aggregation Database (gnomAD). This alteration is expected to result in loss of function by premature protein truncation or nonsense-mediated mRNA decay. As such, this alteration is interpreted as a disease-causing mutation.

Labcorp Genetics (formerly Invitae), Labcorp
Classification: Pathogenic for Neurofibromatosis, type 1. Last evaluated: 2021-08-06. Review status: criteria provided, single submitter. Criteria: Invitae Variant Classification Sherloc (09022015). Collection method: clinical testing. Allele origin: germline.
Comment: For these reasons, this variant has been classified as Pathogenic. This variant has not been reported in the literature in individuals affected with NF1-related conditions. This variant is not present in population databases (ExAC no frequency). This sequence change creates a premature translational stop signal (p.Phe710Serfs*38) in the NF1 gene. It is expected to result in an absent or disrupted protein product. Loss-of-function variants in NF1 are known to be pathogenic (PMID: 10712197, 23913538).

Literature cited by the submitters: PubMed 10712197 (cited by Labcorp Genetics (formerly Invitae), Labcorp); PubMed 23913538 (cited by Labcorp Genetics (formerly Invitae), Labcorp).

NM_001042492.3(NF1):c.2129del (p.Phe710fs)

Gene: NF1 (neurofibromin 1; plus strand). Cytogenetic location: 17q11.2.
Variant type: Deletion.
Coding change: c.2129del on transcript NM_001042492.3 (MANE Select); coding-DNA position 2129, one base deleted (T; older notation c.2129delT).
Protein change: p.Phe710fs; shifts the reading frame from phenylalanine 710.
Molecular consequence: frameshift variant.
Genome position (GRCh38, 1-based): chr17:31,226,562, T deleted; the last of 3 consecutive T bases (chr17:31,226,560-31,226,562); deleting any one gives the same sequence. VCF-style (leftmost placement, unchanged base first): chr17-31226559-GT-G. GRCh37 (hg19) VCF-style: chr17-29553577-GT-G.
Other names: c.2129delT, p.Phe710Serfs (NM_000267.4); c.2129delT (NM_000267.3); short protein forms F710fs.
Identifiers: ClinVar variation 1404225 (VCV001404225.7), dbSNP rs2151425856, ClinGen allele CA2573153256.